The following is an entry in ClinVar:

NM_020297.4(ABCC9):c.3316-4A>C

Gene: ABCC9 (ATP binding cassette subfamily C member 9; minus strand). Cytogenetic location: 12p12.1.
Variant type: single nucleotide variant.
Coding change: c.3316-4A>C on transcript NM_020297.4 (MANE Select); 4 bases into the intron before coding-DNA position 3316, A replaced by C.
Molecular consequence: intron variant.
Genome position (GRCh38, 1-based): chr12:21,842,475, T>G on the plus strand (A>C on the coding strand, the complement: ABCC9 is on the minus strand). VCF-style: chr12-21842475-T-G. GRCh37 (hg19) VCF-style: chr12-21995409-T-G.
Other names: c.2449-4A>C (NM_001377274.1); c.3316-4A>C (NM_005691.4, NM_001377273.1).
Identifiers: ClinVar variation 240205 (VCV000240205.20), dbSNP rs201147809, ClinGen allele CA6481122.

ClinVar aggregate classification (germline): Conflicting classifications of pathogenicity. Review status: criteria provided, conflicting classifications (1 of 4 stars). 6 submissions from 5 submitters: Uncertain significance (3); Likely benign (3). Last evaluated 2026-01-04.

Conditions:
Cardiovascular phenotype. Identifiers: MedGen CN230736.
Hypertrichotic osteochondrodysplasia Cantu type. Also called: Cantu Syndrome; Cantú Syndrome. Identifiers: Orphanet 1517, MedGen C0795905, MONDO:0009406, OMIM 239850.
Dilated cardiomyopathy 1O (CMD1O). Also called: CARDIOMYOPATHY, DILATED, WITH VENTRICULAR TACHYCARDIA. Identifiers: Orphanet 154, MedGen C1837839, MONDO:0012062, OMIM 608569.

Allele frequency attached by ClinVar (database versions not stated): gnomAD exomes 0.00008 and 0.00016; TOPMed 0.00011; gnomAD 0.00013 and 0.00014; ESP Exome Variant Server 0.00038; ExAC 0.00007.
gnomAD v4.1: 250 of 1,613,748 alleles (0.015%); highest among the groups gnomAD compares: Non-Finnish European, 0.02%; no homozygotes.

Submissions (6):

Labcorp Genetics (formerly Invitae), Labcorp
Classification: Likely benign for Dilated cardiomyopathy 1O. Last evaluated: 2026-01-04. Review status: criteria provided, single submitter. Criteria: Invitae Variant Classification Sherloc (09022015). Collection method: clinical testing. Allele origin: germline.

ARUP Laboratories, Molecular Genetics and Genomics, ARUP Laboratories
Classification: Uncertain significance. Last evaluated: 2024-11-21. Review status: criteria provided, single submitter. Criteria: ARUP Molecular Germline Variant Investigation Process 2024. Collection method: clinical testing. Allele origin: germline.
Comment: The ABCC9 c.3316-4A>C variant (rs201147809), to our knowledge, is not reported in the medical literature but is reported in ClinVar (Variation ID: 240205). This variant is found primarily in the non-Finnish European population with an allele frequency of 0.02% (21/129004 alleles) in the Genome Aggregation Database (v2.1.1). This is an intronic variant and computational analyses (Alamut Visual Plus v1.11) predict that this variant may impact splicing by weakening the nearby canonical acceptor splice site. Due to limited information, the clinical significance of this variant is uncertain at this time.

Blueprint Genetics
Classification: Likely benign. Last evaluated: 2024-10-28. Review status: criteria provided, single submitter. Criteria: ACMG Guidelines, 2015. Collection method: clinical testing. Allele origin: germline.

Ambry Genetics
Classification: Likely benign for Cardiovascular phenotype. Last evaluated: 2019-08-16. Review status: criteria provided, single submitter. Criteria: Ambry Variant Classification Scheme 2023. Collection method: clinical testing. Allele origin: germline.

Illumina Laboratory Services, Illumina
Classification: Uncertain significance for Dilated cardiomyopathy 1O. Last evaluated: 2018-01-13. Review status: criteria provided, single submitter. Criteria: ICSL Variant Classification Criteria 13 December 2019. Collection method: clinical testing. Allele origin: germline.

Illumina Laboratory Services, Illumina
Classification: Uncertain significance for Hypertrichotic osteochondrodysplasia Cantu type. Last evaluated: 2018-01-13. Review status: criteria provided, single submitter. Criteria: ICSL Variant Classification Criteria 13 December 2019. Collection method: clinical testing. Allele origin: germline.